The following is an entry in ClinVar:

NM_001846.4(COL4A2):c.1060C>T (p.His354Tyr)

Gene: COL4A2 (collagen type IV alpha 2 chain; plus strand). Cytogenetic location: 13q34.
Variant type: single nucleotide variant.
Coding change: c.1060C>T on transcript NM_001846.4 (MANE Select); coding-DNA position 1060, C replaced by T.
Protein change: p.His354Tyr; replaces histidine 354 with tyrosine.
Molecular consequence: missense variant.
Genome position (GRCh38, 1-based): chr13:110,446,846, C>T. VCF-style: chr13-110446846-C-T. GRCh37 (hg19) VCF-style: chr13-111099193-C-T.
Other names: short protein forms H354Y.
Identifiers: ClinVar variation 3011148 (VCV003011148.3), dbSNP rs1594218741, ClinGen allele CA388733444.

ClinVar aggregate classification (germline): Uncertain significance (1 of 4 stars; one submission).

Allele frequency attached by ClinVar (database versions not stated): gnomAD exomes 0.00001.

Submission:

Labcorp Genetics (formerly Invitae), Labcorp
Classification: Uncertain significance. Last evaluated: 2023-06-21. Review status: criteria provided, single submitter. Criteria: Invitae Variant Classification Sherloc (09022015). Collection method: clinical testing. Allele origin: germline.
Comment: In summary, the available evidence is currently insufficient to determine the role of this variant in disease. Therefore, it has been classified as a Variant of Uncertain Significance. Advanced modeling of protein sequence and biophysical properties (such as structural, functional, and spatial information, amino acid conservation, physicochemical variation, residue mobility, and thermodynamic stability) performed at Invitae indicates that this missense variant is not expected to disrupt COL4A2 protein function. This variant has not been reported in the literature in individuals affected with COL4A2-related conditions. This variant is not present in population databases (gnomAD no frequency). This sequence change replaces histidine, which is basic and polar, with tyrosine, which is neutral and polar, at codon 354 of the COL4A2 protein (p.His354Tyr).